The following is an entry in ClinVar:

ClinVar aggregate classification (germline): Pathogenic (1 of 4 stars; one submission).

Conditions:
Nemaline myopathy 2 (NEM2). Also called: Nemaline myopathy 2, autosomal recessive. Identifiers: MedGen C1850569, MONDO:0009725, OMIM 256030.

Submission:

Labcorp Genetics (formerly Invitae), Labcorp
Classification: Pathogenic for Nemaline myopathy 2. Last evaluated: 2021-12-07. Review status: criteria provided, single submitter. Criteria: Invitae Variant Classification Sherloc (09022015). Collection method: clinical testing. Allele origin: germline.
Comment: This sequence change creates a premature translational stop signal (p.Trp2631*) in the NEB gene. It is expected to result in an absent or disrupted protein product. Loss-of-function variants in NEB are known to be pathogenic (PMID: 25205138). This variant is not present in population databases (gnomAD no frequency). This variant has not been reported in the literature in individuals affected with NEB-related conditions. ClinVar contains an entry for this variant (Variation ID: 861741). For these reasons, this variant has been classified as Pathogenic.

Literature cited by the submitters: PubMed 25205138.

NM_001164508.2(NEB):c.7892G>A (p.Trp2631Ter)

Gene: NEB (nebulin; minus strand). Cytogenetic location: 2q23.3.
Variant type: single nucleotide variant.
Coding change: c.7892G>A on transcript NM_001164508.2 (MANE Select); coding-DNA position 7892, G replaced by A.
Protein change: p.Trp2631Ter; replaces tryptophan 2631 with a stop codon.
Molecular consequence: nonsense.
Genome position (GRCh38, 1-based): chr2:151,643,882, C>T on the plus strand (G>A on the coding strand, the complement: NEB is on the minus strand). VCF-style: chr2-151643882-C-T. GRCh37 (hg19) VCF-style: chr2-152500396-C-T.
Other names: c.7892G>A, p.Trp2631Ter (NM_001164507.2, NM_001271208.2, NM_004543.5); short protein forms W2631*.
Identifiers: ClinVar variation 861741 (VCV000861741.7), dbSNP rs2098919758, ClinGen allele CA348781013.